The following is an entry in ClinVar:

ClinVar aggregate classification (germline): Pathogenic/Likely pathogenic. Review status: criteria provided, multiple submitters, no conflicts (2 of 4 stars). 3 submissions from 3 submitters: Pathogenic (1); Likely pathogenic (2). Last evaluated 2025-08-09.

Conditions:
Primary ciliary dyskinesia. Also called: Ciliary dyskinesia. Identifiers: Orphanet 244, MedGen C0008780, MONDO:0016575, HP:0012265.
Retinitis pigmentosa 3. Also called: CHOROIDORETINAL DEGENERATION WITH RETINAL REFLEX IN HETEROZYGOUS WOMEN. Identifiers: Orphanet 791, MedGen C1845667, MONDO:0010227, OMIM 300029.

Submissions (3):

Labcorp Genetics (formerly Invitae), Labcorp
Classification: Pathogenic for Primary ciliary dyskinesia. Last evaluated: 2025-08-09. Review status: criteria provided, single submitter. Criteria: Invitae Variant Classification Sherloc (09022015). Collection method: clinical testing. Allele origin: germline.
Comment: This sequence change creates a premature translational stop signal (p.Val819Argfs*11) in the RPGR (ORF15) gene. While this is not anticipated to result in nonsense mediated decay, it is expected to disrupt the last 334 amino acid(s) of the RPGR (ORF15) protein. This variant is not present in population databases (gnomAD no frequency). This variant has not been reported in the literature in individuals affected with RPGR (ORF15)-related conditions. ClinVar contains an entry for this variant (Variation ID: 1802361). This variant disrupts a region of the RPGR (ORF15) protein in which other variant(s) (p.Leu1130Lysfs*13) have been determined to be pathogenic (PMID: 22264887; internal data). This suggests that this is a clinically significant region of the protein, and that variants that disrupt it are likely to be disease-causing. For these reasons, this variant has been classified as Pathogenic.

SingHealth Duke-NUS Institute of Precision Medicine
Classification: Likely pathogenic for Retinitis pigmentosa 3. Last evaluated: 2025-02-05. Review status: criteria provided, single submitter. Criteria: PRISM ACMG Classification Criteria. Collection method: clinical testing. Allele origin: germline. Affected: yes.
Comment: Variant is predicted to cause LOF (PVS1)

PreventionGenetics, part of Exact Sciences
Classification: Likely pathogenic. Last evaluated: 2018-03-08. Review status: criteria provided, single submitter. Criteria: ACMG Guidelines, 2015. Collection method: clinical testing. Allele origin: germline.

Literature cited by the submitters: PubMed 22264887 (cited by Labcorp Genetics (formerly Invitae), Labcorp).

NM_001034853.2(RPGR):c.2455_2468del (p.Val819fs)

Gene: RPGR (retinitis pigmentosa GTPase regulator; minus strand). Cytogenetic location: Xp11.4.
Variant type: Deletion.
Coding change: c.2455_2468del on transcript NM_001034853.2 (MANE Select); coding-DNA positions 2455 to 2468, 14 bases deleted (GTAGAGGAGGGGAA).
Protein change: p.Val819fs; shifts the reading frame from valine 819.
Molecular consequence: frameshift variant. On other transcripts: intron variant (8).
Genome position (GRCh38, 1-based): chrX:38,286,531-38,286,544, TTCCCCTCCTCTAC deleted on the plus strand (GTAGAGGAGGGGAA on the coding strand, the reverse complement: RPGR is on the minus strand); deleting any 14 consecutive bases within chrX:38,286,531-38,286,553 gives the same sequence; the c. name uses the placement nearest the transcript's 3' end. VCF-style (leftmost placement, unchanged base first): chrX-38286530-TTTCCCCTCCTCTAC-T. GRCh37 (hg19) VCF-style: chrX-38145783-TTTCCCCTCCTCTAC-T.
Other names: c.1569+4415_1569+4428del (NM_001367249.1, NM_001367250.1); c.1902+550_1902+563del (NM_001367245.1); c.1386+4415_1386+4428del (NM_001367251.1); c.1719+550_1719+563del (NM_001367246.1); c.1572+4415_1572+4428del (NM_001367247.1); c.1905+550_1905+563del (NM_000328.3); c.1602+4415_1602+4428del (NM_001367248.1); short protein forms V819fs.
Identifiers: ClinVar variation 1802361 (VCV001802361.8), dbSNP rs2147197604, ClinGen allele CA2579584451.
Genomic context (GRCh38, chrX:38,286,530, plus strand): 5'-TTCCCCCTCCCCTTCCTCCTCTTCCCCCTCACCCTCCTCCTCTTCCTCTTCCCTCTCTCC[TTTCCCCTCCTCTAC>T]TTCCCCTCCCTCTACTTCCCCTCCCTCCTCTTTTTCCTCCCCTCTCCCCTCTGTTTCCTC-3'